The following is an entry in ClinVar:

NM_014264.5(PLK4):c.2003A>G (p.Asp668Gly)

Gene: PLK4 (polo like kinase 4; plus strand). Cytogenetic location: 4q28.1.
Variant type: single nucleotide variant.
Coding change: c.2003A>G on transcript NM_014264.5 (MANE Select); coding-DNA position 2003, A replaced by G.
Protein change: p.Asp668Gly; replaces aspartic acid 668 with glycine.
Molecular consequence: missense variant.
Genome position (GRCh38, 1-based): chr4:127,891,646, A>G. VCF-style: chr4-127891646-A-G. GRCh37 (hg19) VCF-style: chr4-128812801-A-G.
Other names: c.1907A>G, p.Asp636Gly (NM_001190799.2); c.1880A>G, p.Asp627Gly (NM_001190801.2); short protein forms D636G, D668G, D627G.
Identifiers: ClinVar variation 2798489 (VCV002798489.3), dbSNP rs2546020777, ClinGen allele CA358158610.

ClinVar aggregate classification (germline): Uncertain significance (1 of 4 stars; one submission).

Allele frequency attached by ClinVar (database versions not stated): gnomAD exomes below 0.00001.
gnomAD v4.1: 1 of 1,542,742 alleles (0.000065%); highest among the groups gnomAD compares: East Asian, 0.0023%; no homozygotes.

Submission:

Labcorp Genetics (formerly Invitae), Labcorp
Classification: Uncertain significance. Last evaluated: 2024-01-12. Review status: criteria provided, single submitter. Criteria: Invitae Variant Classification Sherloc (09022015). Collection method: clinical testing. Allele origin: germline.
Comment: This sequence change replaces aspartic acid, which is acidic and polar, with glycine, which is neutral and non-polar, at codon 668 of the PLK4 protein (p.Asp668Gly). This variant is not present in population databases (gnomAD no frequency). This variant has not been reported in the literature in individuals affected with PLK4-related conditions. An algorithm developed to predict the effect of missense changes on protein structure and function (PolyPhen-2) suggests that this variant is likely to be tolerated. In summary, the available evidence is currently insufficient to determine the role of this variant in disease. Therefore, it has been classified as a Variant of Uncertain Significance.